The following is an entry in ClinVar:

ClinVar aggregate classification (germline): Uncertain significance (1 of 4 stars; one submission).

Conditions:
Multiple congenital exostosis (EXT). Also called: MULTIPLE CARTILAGINOUS EXOSTOSES; Multiple exostoses; Hereditary multiple osteochondromas; Hereditary multiple exostoses; Hereditary multiple exostosis; Multiple osteochondromas. Identifiers: Orphanet 321, MedGen C0015306, MONDO:0005508, HP:0002762.

gnomAD v4.1: 11 of 1,613,976 alleles (0.00068%); highest among the groups gnomAD compares: South Asian, 0.0099%; no homozygotes.

Submission:

Labcorp Genetics (formerly Invitae), Labcorp
Classification: Uncertain significance for Multiple congenital exostosis. Last evaluated: 2024-11-15. Review status: criteria provided, single submitter. Criteria: Invitae Variant Classification Sherloc (09022015). Collection method: clinical testing. Allele origin: germline.
Comment: This sequence change replaces glutamic acid, which is acidic and polar, with glutamine, which is neutral and polar, at codon 428 of the EXT1 protein (p.Glu428Gln). This variant is present in population databases (rs772435035, gnomAD 0.003%). This variant has not been reported in the literature in individuals affected with EXT1-related conditions. An algorithm developed to predict the effect of missense changes on protein structure and function (PolyPhen-2) suggests that this variant is likely to be disruptive. In summary, the available evidence is currently insufficient to determine the role of this variant in disease. Therefore, it has been classified as a Variant of Uncertain Significance.

NM_000127.3(EXT1):c.1282G>C (p.Glu428Gln)

Gene: EXT1 (exostosin glycosyltransferase 1; minus strand). Cytogenetic location: 8q24.11.
Variant type: single nucleotide variant.
Coding change: c.1282G>C on transcript NM_000127.3 (MANE Select); coding-DNA position 1282, G replaced by C.
Protein change: p.Glu428Gln; replaces glutamic acid 428 with glutamine.
Molecular consequence: missense variant.
Genome position (GRCh38, 1-based): chr8:117,830,232, C>G on the plus strand (G>C on the coding strand, the complement: EXT1 is on the minus strand). VCF-style: chr8-117830232-C-G. GRCh37 (hg19) VCF-style: chr8-118842471-C-G.
Other names: short protein forms E428Q.
Identifiers: ClinVar variation 3715083 (VCV003715083.2).